The following is an entry in ClinVar:

NM_032608.7(MYO18B):c.611C>T (p.Ala204Val)

Gene: MYO18B (myosin XVIIIB; plus strand). Cytogenetic location: 22q12.1.
Variant type: single nucleotide variant.
Coding change: c.611C>T on transcript NM_032608.7 (MANE Select); coding-DNA position 611, C replaced by T.
Protein change: p.Ala204Val; replaces alanine 204 with valine.
Molecular consequence: missense variant.
Genome position (GRCh38, 1-based): chr22:25,768,527, C>T. VCF-style: chr22-25768527-C-T. GRCh37 (hg19) VCF-style: chr22-26164494-C-T.
Other names: c.611C>T, p.Ala204Val (NM_001318245.2); short protein forms A204V.
Identifiers: ClinVar variation 1028974 (VCV001028974.1), dbSNP rs530488010, ClinGen allele CA322779063.

ClinVar aggregate classification (germline): Uncertain significance (1 of 4 stars; one submission).

Conditions:
Klippel-Feil anomaly-myopathy-facial dysmorphism syndrome. Also called: Klippel-feil syndrome 4, autosomal recessive, with nemaline myopathy and facial dysmorphism; Klippel-Feil syndrome 4, autosomal recessive, with myopathy and facial dysmorphism. Identifiers: Orphanet 447974, MedGen C4225285, MONDO:0014689, OMIM 616549.

Allele frequency attached by ClinVar (database versions not stated): gnomAD exomes 0.00002 and 0.00005; TOPMed 0.00008; 1000 Genomes Project 0.00020; gnomAD 0.00015; 1000 Genomes Project 30x 0.00016.
gnomAD v4.1: 31 of 1,563,174 alleles (0.002%); highest among the groups gnomAD compares: Admixed American, 0.058%; no homozygotes.

Submission:

Baylor Genetics
Classification: Uncertain significance for Klippel-Feil anomaly-myopathy-facial dysmorphism syndrome. Last evaluated: 2019-12-13. Review status: criteria provided, single submitter. Criteria: ACMG Guidelines, 2015. Collection method: clinical testing. Allele origin: unknown. Affected: yes.
Comment: This variant was determined to be of uncertain significance according to ACMG Guidelines, 2015 [PMID:25741868].